The following is an entry in ClinVar:

NM_015295.3(SMCHD1):c.175T>C (p.Cys59Arg)

Genes: SMCHD1 (structural maintenance of chromosomes flexible hinge domain containing 1; plus strand), LOC130062084 (ATAC-STARR-seq lymphoblastoid silent region 9247; plus strand). Cytogenetic location: 18p11.32.
Variant type: single nucleotide variant.
Coding change: c.175T>C on transcript NM_015295.3 (MANE Select); coding-DNA position 175, T replaced by C.
Protein change: p.Cys59Arg; replaces cysteine 59 with arginine.
Molecular consequence: missense variant.
Genome position (GRCh38, 1-based): chr18:2,656,250, T>C. VCF-style: chr18-2656250-T-C. GRCh37 (hg19) VCF-style: chr18-2656249-T-C.
Other names: short protein forms C59R.
Identifiers: ClinVar variation 4806867 (VCV004806867.1).

ClinVar aggregate classification (germline): Uncertain significance (1 of 4 stars; one submission).

Conditions:
Facioscapulohumeral muscular dystrophy 2 (FSHD2). Also called: FACIOSCAPULOHUMERAL MUSCULAR DYSTROPHY 2, DIGENIC; FSHD2, DIGENIC; MUSCULAR DYSTROPHY, FACIOSCAPULOHUMERAL, TYPE 1B. Identifiers: Orphanet 269, MedGen C1834671, MONDO:0008031, OMIM 158901.

gnomAD v4.1: 1 of 1,494,514 alleles (0.000067%); highest among the groups gnomAD compares: Middle Eastern, 0.018%; no homozygotes.

Submission:

Labcorp Genetics (formerly Invitae), Labcorp
Classification: Uncertain significance for Facioscapulohumeral muscular dystrophy 2. Last evaluated: 2025-08-29. Review status: criteria provided, single submitter. Criteria: Invitae Variant Classification Sherloc (09022015). Collection method: clinical testing. Allele origin: germline.
Comment: This sequence change replaces cysteine, which is neutral and slightly polar, with arginine, which is basic and polar, at codon 59 of the SMCHD1 protein (p.Cys59Arg). This variant is not present in population databases (gnomAD no frequency). This variant has not been reported in the literature in individuals affected with SMCHD1-related conditions. An algorithm developed to predict the effect of missense changes on protein structure and function (PolyPhen-2) suggests that this variant is likely to be tolerated. In summary, the available evidence is currently insufficient to determine the role of this variant in disease. Therefore, it has been classified as a Variant of Uncertain Significance.